The following is an entry in ClinVar:

NM_000179.3(MSH6):c.260+8G>T

Genes: MSH6 (mutS homolog 6; plus strand), LOC129933707 (ATAC-STARR-seq lymphoblastoid silent region 11468; plus strand). Cytogenetic location: 2p16.3.
Variant type: single nucleotide variant.
Coding change: c.260+8G>T on transcript NM_000179.3 (MANE Select); 8 bases into the intron after coding-DNA position 260, G replaced by T.
Molecular consequence: intron variant.
Genome position (GRCh38, 1-based): chr2:47,783,501, G>T. VCF-style: chr2-47783501-G-T. GRCh37 (hg19) VCF-style: chr2-48010640-G-T.
Other names: c.260+8G>T (NM_001406809.1, NM_001406796.1, NM_001406795.1 and 8 more transcripts); c.-477+8G>T (NM_001406811.1, NM_001281493.2); c.-38+270G>T (NM_001406805.1, NM_001406797.1, NM_001406801.1); c.-669+8G>T (NM_001406807.1); c.-735+8G>T (NM_001406814.1); c.-324+8G>T (NM_001406812.1); c.-69+8G>T (NM_001406799.1); c.-280+8G>T (NM_001406816.1); and 4 more.
Identifiers: ClinVar variation 2752672 (VCV002752672.4), dbSNP rs2103945640, ClinGen allele CA2658965890.

ClinVar aggregate classification (germline): Likely benign. Review status: criteria provided, multiple submitters, no conflicts (2 of 4 stars). 2 submissions from 2 submitters: Likely benign (2). Last evaluated 2024-12-17.

Conditions:
Lynch syndrome 5 (LYNCH5). Also called: Colorectal cancer, hereditary nonpolyposis, type 5; Hereditary non-polyposis colorectal cancer, type 5. Identifiers: Orphanet 144, MedGen C1833477, MONDO:0013710, OMIM 614350. Disease mechanism: loss of function.
Hereditary nonpolyposis colorectal neoplasms. Identifiers: MedGen C0009405, MeSH D003123.

Submissions (2):

Myriad Genetics, Inc.
Classification: Likely benign for Lynch syndrome 5. Last evaluated: 2024-12-17. Review status: criteria provided, single submitter. Criteria: Myriad Autosomal Dominant, Autosomal Recessive and X-Linked Classification Criteria (2023). Collection method: clinical testing. Allele origin: unknown.
Comment: This variant is considered likely benign. This variant is intronic and is not expected to impact mRNA splicing.

Labcorp Genetics (formerly Invitae), Labcorp
Classification: Likely benign for Hereditary nonpolyposis colorectal neoplasms. Last evaluated: 2023-08-16. Review status: criteria provided, single submitter. Criteria: Invitae Variant Classification Sherloc (09022015). Collection method: clinical testing. Allele origin: germline.